The following is an entry in ClinVar:

NM_017491.5(WDR1):c.226G>A (p.Gly76Arg)

Gene: WDR1 (WD repeat domain 1; minus strand). Cytogenetic location: 4p16.1.
Variant type: single nucleotide variant.
Coding change: c.226G>A on transcript NM_017491.5 (MANE Select); coding-DNA position 226, G replaced by A.
Protein change: p.Gly76Arg; replaces glycine 76 with arginine.
Molecular consequence: missense variant. On other transcripts: intron variant (1).
Genome position (GRCh38, 1-based): chr4:10,103,899, C>T on the plus strand (G>A on the coding strand, the complement: WDR1 is on the minus strand). VCF-style: chr4-10103899-C-T. GRCh37 (hg19) VCF-style: chr4-10105523-C-T.
Other names: c.138+12214G>A (NM_005112.5); short protein forms G76R.
Identifiers: ClinVar variation 2184426 (VCV002184426.1), dbSNP rs1334314285, ClinGen allele CA356364617.
Genomic context (GRCh38, chr4:10,103,899, plus strand): 5'-CCCTGAGCGCCACCCAGGCCCCCACAGGTGTCCACGAGCCTTGCCCCCATACAGTACCTC[C>T]GGAGGCAATGTAGAATCCGCTGGGCGCATACTTGGCCACCACCACCTGATGGGCGTGCTC-3'
Protein context (NP_059830.1, residues 66-86): YAPSGFYIAS[Gly76Arg]DVSGKLRIWD

ClinVar aggregate classification (germline): Uncertain significance (1 of 4 stars; one submission).

Allele frequency attached by ClinVar (database versions not stated): gnomAD exomes below 0.00001.

Submission:

Labcorp Genetics (formerly Invitae), Labcorp
Classification: Uncertain significance. Last evaluated: 2022-08-29. Review status: criteria provided, single submitter. Criteria: Invitae Variant Classification Sherloc (09022015). Collection method: clinical testing. Allele origin: germline.
Comment: This sequence change replaces glycine, which is neutral and non-polar, with arginine, which is basic and polar, at codon 76 of the WDR1 protein (p.Gly76Arg). The frequency data for this variant in the population databases is considered unreliable, as metrics indicate poor data quality at this position in the gnomAD database. This variant has not been reported in the literature in individuals affected with WDR1-related conditions. Algorithms developed to predict the effect of missense changes on protein structure and function are either unavailable or do not agree on the potential impact of this missense change (SIFT: "Deleterious"; PolyPhen-2: "Probably Damaging"; Align-GVGD: "Class C15"). In summary, the available evidence is currently insufficient to determine the role of this variant in disease. Therefore, it has been classified as a Variant of Uncertain Significance.